The following is an entry in ClinVar:

ClinVar aggregate classification (germline): Conflicting classifications of pathogenicity. Review status: criteria provided, conflicting classifications (1 of 4 stars). 6 submissions from 6 submitters: Uncertain significance (1); Likely benign (4). 1 of the submissions does not count toward it. Last evaluated 2026-02-06.

Conditions:
Autosomal recessive severe congenital neutropenia due to CSF3R deficiency. Also called: Neutropenia, severe congenital, 7, autosomal recessive. Identifiers: Orphanet 420702, MedGen C4310764, MONDO:0014865, OMIM 617014.
CSF3R-related disorder. Also called: CSF3R-related condition.

Allele frequency attached by ClinVar (database versions not stated): ESP Exome Variant Server 0.00131; gnomAD exomes 0.00023; ExAC 0.00035; 1000 Genomes Project 30x 0.00094; 1000 Genomes Project 0.00100; gnomAD 0.00106 and 0.00115; TOPMed 0.00129.
gnomAD v4.1: 323 of 1,614,248 alleles (0.02%); highest among the groups gnomAD compares: African/African-American, 0.37%; no homozygotes.

Submissions (6):

Women's Health and Genetics/Laboratory Corporation of America, LabCorp
Classification: Likely benign. Last evaluated: 2026-02-06. Review status: criteria provided, single submitter. Criteria: LabCorp Variant Classification Summary - May 2015. Collection method: clinical testing. Allele origin: germline.
Comment: Variant summary: CSF3R c.1856T>C (p.Leu619Ser) results in a non-conservative amino acid change in the encoded protein sequence. Algorithms developed to predict the effect of missense changes on protein structure and function are either unavailable or do not agree on the potential impact of this missense change. The variant allele was found at a frequency of 0.00023 in 251406 control chromosomes, predominantly at a frequency of 0.003 within the African or African-American subpopulation in the gnomAD database. The observed variant frequency within African or African-American control individuals in the gnomAD database exceeds the estimated maximal expected allele frequency for disease-causing variants in CSF3R. To our knowledge, no occurrence of c.1856T>C in individuals affected with CSF3R-related conditions and no experimental evidence demonstrating its impact on protein function have been reported. ClinVar contains an entry for this variant (Variation ID: 542857). Based on the evidence outlined above, the variant was classified as likely benign.

Labcorp Genetics (formerly Invitae), Labcorp
Classification: Likely benign for Autosomal recessive severe congenital neutropenia due to CSF3R deficiency. Last evaluated: 2025-12-22. Review status: criteria provided, single submitter. Criteria: Invitae Variant Classification Sherloc (09022015). Collection method: clinical testing. Allele origin: germline.

CeGaT Center for Human Genetics Tuebingen
Classification: Likely benign. Last evaluated: 2025-06-01. Review status: criteria provided, single submitter. Criteria: CeGaT Center For Human Genetics Tuebingen Variant Classification Criteria Version 2. Collection method: clinical testing. Allele origin: germline. Affected: yes. Observed: 2 variant alleles.
Comment: CSF3R: BP4

Blueprint Genetics
Classification: Likely benign. Last evaluated: 2024-10-07. Review status: criteria provided, single submitter. Criteria: ACMG Guidelines, 2015. Collection method: clinical testing. Allele origin: germline.

Genetic Services Laboratory, University of Chicago
Classification: Uncertain significance. Last evaluated: 2021-10-26. Review status: criteria provided, single submitter. Criteria: ACMG Guidelines, 2015. Collection method: clinical testing. Allele origin: germline. Affected: no.
Comment: DNA sequence analysis of the CSF3R gene demonstrated a sequence change, c.1856T>C, in exon 14 that results in an amino acid change, p.Leu619Ser. This sequence change does not appear to have been previously described in individuals with CSF3R-related disorders. This sequence change has been described in the gnomAD database with a frequency of 0.33% in the African subpopulation (dbSNP rs141619366). The p.Leu619Ser change affects a poorly conserved amino acid residue located in a domain of the CSF3R protein that is not known to be functional. The p.Leu619Ser substitution appears to be benign using several in-silico pathogenicity prediction tools (SIFT, PolyPhen2, Align GVGD, REVEL). Due to insufficient evidence and the lack of functional studies, the clinical significance of the p.Leu619Ser change remains unknown at this time.

PreventionGenetics, part of Exact Sciences
Classification: Likely benign for CSF3R-related condition. Last evaluated: 2020-08-13. Review status: no assertion criteria provided. Collection method: clinical testing. Allele origin: germline. Not counted in ClinVar's aggregate classification.
Comment: This variant is classified as likely benign based on ACMG/AMP sequence variant interpretation guidelines (Richards et al. 2015 PMID: 25741868, with internal and published modifications).

Literature cited by the submitters: PubMed 23896413 (cited by Women's Health and Genetics/Laboratory Corporation of America, LabCorp); PubMed 28302714 (cited by Women's Health and Genetics/Laboratory Corporation of America, LabCorp); PubMed 24627528 (cited by Women's Health and Genetics/Laboratory Corporation of America, LabCorp); PubMed 23656643 (cited by Women's Health and Genetics/Laboratory Corporation of America, LabCorp); PubMed 23604229 (cited by Women's Health and Genetics/Laboratory Corporation of America, LabCorp); PubMed 27069254 (cited by Women's Health and Genetics/Laboratory Corporation of America, LabCorp); PubMed 39080258 (cited by Women's Health and Genetics/Laboratory Corporation of America, LabCorp).

NM_000760.4(CSF3R):c.1856T>C (p.Leu619Ser)

Gene: CSF3R (colony stimulating factor 3 receptor; minus strand). Cytogenetic location: 1p34.3.
Variant type: single nucleotide variant.
Coding change: c.1856T>C on transcript NM_000760.4 (MANE Select); coding-DNA position 1856, T replaced by C.
Protein change: p.Leu619Ser; replaces leucine 619 with serine.
Molecular consequence: missense variant.
Genome position (GRCh38, 1-based): chr1:36,467,830, A>G on the plus strand (T>C on the coding strand, the complement: CSF3R is on the minus strand). VCF-style: chr1-36467830-A-G. GRCh37 (hg19) VCF-style: chr1-36933431-A-G.
Other names: c.1856T>C, p.Leu619Ser (NM_156039.3, NM_172313.3, LRG_144t1); short protein forms L619S.
Identifiers: ClinVar variation 542857 (VCV000542857.49), dbSNP rs141619366, ClinGen allele CA769062.